The following is an entry in ClinVar:

NM_020338.4(ZMIZ1):c.2568del (p.Asn857fs)

Gene: ZMIZ1 (zinc finger MIZ-type containing 1; plus strand). Cytogenetic location: 10q22.3.
Variant type: Deletion.
Coding change: c.2568del on transcript NM_020338.4 (MANE Select); coding-DNA position 2568, one base deleted (C; older notation c.2568delC).
Protein change: p.Asn857fs; shifts the reading frame from asparagine 857.
Molecular consequence: frameshift variant.
Genome position (GRCh38, 1-based): chr10:79,306,244, C deleted; the last of 3 consecutive C bases (chr10:79,306,242-79,306,244); deleting any one gives the same sequence. VCF-style (leftmost placement, unchanged base first): chr10-79306241-GC-G. GRCh37 (hg19) VCF-style: chr10-81065998-GC-G.
Other names: short protein forms N857fs.
Identifiers: ClinVar variation 2637409 (VCV002637409.1), dbSNP rs2492204554, ClinGen allele CA2695200860.
Genomic context (GRCh38, chr10:79,306,241, plus strand): 5'-CGACCCTGATGGCATCCCCTCCAAGCGGTTCAAGACCATGAGTCCCAGCCAGATGATCAT[GC>G]CCAATGTCATGGAGATGATCGCAGCCCTGGGCCCCGGCCCGTCCCCCTATCCCCTCCCGC-3'

ClinVar aggregate classification (germline): Likely pathogenic (1 of 4 stars; one submission).

Conditions:
ZMIZ1-related disorder. Also called: ZMIZ1-related condition.

Submission:

PreventionGenetics, part of Exact Sciences
Classification: Likely pathogenic for ZMIZ1-related condition. Last evaluated: 2022-10-26. Review status: criteria provided, single submitter. Criteria: ACMG Guidelines, 2015. Collection method: clinical testing. Allele origin: germline.
Comment: The ZMIZ1 c.2568delC variant is predicted to result in a frameshift and premature protein termination (p.Asn857Metfs*5). To our knowledge, this variant has not been reported in the literature or in a large population database, indicating this variant is rare. Frameshift variants in ZMIZ1 are expected to be pathogenic and therefore we interpret c.2568del (p.Asn857Metfs*5) as likely pathogenic.